The following is an entry in ClinVar:

NC_000022.11:g.21208901G>A

Gene: GGT2 (gamma-glutamyltransferase 2; minus strand). Cytogenetic location: 22q11.21.
Variant type: single nucleotide variant.
Genome position: GRCh38 VCF-style: chr22-21208901-G-A. GRCh37 (hg19) VCF-style: chr22-21563190-G-A.
Identifiers: ClinVar variation 2652937 (VCV002652937.23), dbSNP rs200777496, ClinGen allele CA10121291.

ClinVar aggregate classification (germline): Likely benign (1 of 4 stars; one submission).

Allele frequency attached by ClinVar (database versions not stated): 1000 Genomes Project 0.00100; 1000 Genomes Project 30x 0.00172; ExAC 0.00575; gnomAD exomes 0.00969.

Submission:

CeGaT Center for Human Genetics Tuebingen
Classification: Likely benign. Last evaluated: 2023-12-01. Review status: criteria provided, single submitter. Criteria: CeGaT Center For Human Genetics Tuebingen Variant Classification Criteria Version 2. Collection method: clinical testing. Allele origin: germline. Affected: yes. Observed: 2 variant alleles.
Comment: GGT2P: BP4, BS2